The following is an entry in ClinVar:

NM_001005242.3(PKP2):c.2270A>G (p.Asn757Ser)

Gene: PKP2 (plakophilin 2; minus strand). Cytogenetic location: 12p11.21.
Variant type: single nucleotide variant.
Coding change: c.2270A>G on transcript NM_001005242.3 (MANE Select); coding-DNA position 2270, A replaced by G.
Protein change: p.Asn757Ser; replaces asparagine 757 with serine.
Molecular consequence: missense variant. On other transcripts: intron variant (2).
Genome position (GRCh38, 1-based): chr12:32,796,196, T>C on the plus strand (A>G on the coding strand, the complement: PKP2 is on the minus strand). VCF-style: chr12-32796196-T-C. GRCh37 (hg19) VCF-style: chr12-32949130-T-C.
Other names: c.2105A>G, p.Asn702Ser (NM_001407156.1); c.1943A>G, p.Asn648Ser (NM_001407158.1, NM_001407159.1); c.2402A>G, p.Asn801Ser (NM_004572.4); c.2168-3465A>G (NM_001407155.1); c.1841-3465A>G (NM_001407160.1); short protein forms N648S, N702S, N757S, N801S.
Identifiers: ClinVar variation 3897125 (VCV003897125.1).
Genomic context (GRCh38, chr12:32,796,196, plus strand): 5'-TTCTGGATGCCCCCGGTGTTTAGAAGGTCGCGTGCATTCTGGTAACTGTTTTGGATTATG[T>C]TGTTCAATGTGTAACAGGCAGAGGCTGTAGTTTCAATGAGAAGGTCAGTACTCGGGACTG-3'
Protein context (NP_001005242.2, residues 747-767): TTASACYTLN[Asn757Ser]IIQNSYQNAR

ClinVar aggregate classification (germline): Uncertain significance (1 of 4 stars; one submission).

Submission:

GeneDx
Classification: Uncertain significance. Last evaluated: 2024-11-04. Review status: criteria provided, single submitter. Criteria: GeneDx Variant Classification Process June 2021. Collection method: clinical testing. Allele origin: germline. Affected: yes.
Comment: Not observed at significant frequency in large population cohorts (gnomAD); In silico analysis supports that this missense variant has a deleterious effect on protein structure/function; Has not been previously published as pathogenic or benign to our knowledge